The following is an entry in ClinVar:

NM_000051.4(ATM):c.2075G>T (p.Arg692Leu)

Gene: ATM (ATM serine/threonine kinase; plus strand). Cytogenetic location: 11q22.3.
Variant type: single nucleotide variant.
Coding change: c.2075G>T on transcript NM_000051.4 (MANE Select); coding-DNA position 2075, G replaced by T.
Protein change: p.Arg692Leu; replaces arginine 692 with leucine.
Molecular consequence: missense variant.
Genome position (GRCh38, 1-based): chr11:108,253,990, G>T. VCF-style: chr11-108253990-G-T. GRCh37 (hg19) VCF-style: chr11-108124717-G-T.
Other names: c.2075G>T, p.Arg692Leu (NM_001351834.2); short protein forms R692L.
Identifiers: ClinVar variation 481065 (VCV000481065.16), dbSNP rs751515818, ClinGen allele CA382537546.

ClinVar aggregate classification (germline): Conflicting classifications of pathogenicity. Review status: criteria provided, conflicting classifications (1 of 4 stars). 4 submissions from 4 submitters: Uncertain significance (2); Likely benign (1). 1 of the submissions does not count toward it. Last evaluated 2024-08-21.

Conditions:
Hereditary cancer-predisposing syndrome. Also called: Hereditary neoplastic syndrome; Neoplastic Syndromes, Hereditary; Tumor predisposition; Hereditary Cancer Syndrome. Identifiers: Orphanet 140162, MedGen C0027672, MeSH D009386, MONDO:0015356.
Ataxia-telangiectasia syndrome (AT). Also called: LOUIS-BAR SYNDROME; Cerebello-oculocutaneous telangiectasia; Immunodeficiency with ataxia telangiectasia; AT, COMPLEMENTATION GROUP C; Ataxia-telangiectasia, complementation group D; ATAXIA-TELANGIECTASIA, COMPLEMENTATION GROUP A. Identifiers: Orphanet 100, MedGen C0004135, MONDO:0008840, OMIM 208900.
Breast carcinoma. Also called: Carcinoma of breast. Identifiers: MedGen C0678222, MONDO:0004989, HP:0003002.

Submissions (4):

Ambry Genetics
Classification: Likely benign for Hereditary cancer-predisposing syndrome. Last evaluated: 2024-08-21. Review status: criteria provided, single submitter. Criteria: Ambry Variant Classification Scheme 2023. Collection method: clinical testing. Allele origin: germline.

Labcorp Genetics (formerly Invitae), Labcorp
Classification: Uncertain significance for Ataxia-telangiectasia syndrome. Last evaluated: 2024-01-18. Review status: criteria provided, single submitter. Criteria: Invitae Variant Classification Sherloc (09022015). Collection method: clinical testing. Allele origin: germline.
Comment: This sequence change replaces arginine, which is basic and polar, with leucine, which is neutral and non-polar, at codon 692 of the ATM protein (p.Arg692Leu). This variant is not present in population databases (gnomAD no frequency). This variant has not been reported in the literature in individuals affected with ATM-related conditions. ClinVar contains an entry for this variant (Variation ID: 481065). Algorithms developed to predict the effect of missense changes on protein structure and function output the following: SIFT: "Not Available"; PolyPhen-2: "Benign"; Align-GVGD: "Not Available". The leucine amino acid residue is found in multiple mammalian species, which suggests that this missense change does not adversely affect protein function. In summary, the available evidence is currently insufficient to determine the role of this variant in disease. Therefore, it has been classified as a Variant of Uncertain Significance.

GeneDx
Classification: Uncertain significance. Last evaluated: 2020-02-28. Review status: criteria provided, single submitter. Criteria: GeneDx Variant Classification Process June 2021. Collection method: clinical testing. Allele origin: germline. Affected: yes.
Comment: Not observed in large population cohorts (Lek 2016); In silico analysis supports that this missense variant has a deleterious effect on protein structure/function; Has not been previously published as pathogenic or benign to our knowledge

Institute of Human Genetics, University of Wuerzburg
Classification: Uncertain significance for Breast carcinoma. Review status: no assertion criteria provided. Collection method: clinical testing. Allele origin: unknown. Not counted in ClinVar's aggregate classification.